The following is an entry in ClinVar:

ClinVar aggregate classification (germline): Uncertain significance (1 of 4 stars; one submission).

Allele frequency attached by ClinVar (database versions not stated): TOPMed 0.00002.

Submission:

GeneDx
Classification: Uncertain significance. Last evaluated: 2024-03-10. Review status: criteria provided, single submitter. Criteria: GeneDx Variant Classification Process June 2021. Collection method: clinical testing. Allele origin: germline. Affected: yes.
Comment: Not observed at significant frequency in large population cohorts (gnomAD); In silico analysis supports that this missense variant has a deleterious effect on protein structure/function; Has not been previously published as pathogenic or benign to our knowledge

NM_001291867.2(NHS):c.1992C>G (p.Asp664Glu)

Gene: NHS (NHS actin remodeling regulator; plus strand). Cytogenetic location: Xp22.13.
Variant type: single nucleotide variant.
Coding change: c.1992C>G on transcript NM_001291867.2 (MANE Select); coding-DNA position 1992, C replaced by G.
Protein change: p.Asp664Glu; replaces aspartic acid 664 with glutamic acid.
Molecular consequence: missense variant.
Genome position (GRCh38, 1-based): chrX:17,726,098, C>G. VCF-style: chrX-17726098-C-G. GRCh37 (hg19) VCF-style: chrX-17744218-C-G.
Other names: c.1461C>G, p.Asp487Glu (NM_001136024.4); c.1398C>G, p.Asp466Glu (NM_001291868.2); c.1929C>G, p.Asp643Glu (NM_198270.4); short protein forms D466E, D487E, D643E, D664E.
Identifiers: ClinVar variation 1303754 (VCV001303754.3), dbSNP rs1193246471, ClinGen allele CA412355813.